The following is an entry in ClinVar:

NM_177438.3(DICER1):c.4279C>T (p.Leu1427=)

Gene: DICER1 (dicer 1, ribonuclease III; minus strand). Cytogenetic location: 14q32.13.
Variant type: single nucleotide variant.
Coding change: c.4279C>T on transcript NM_177438.3 (MANE Select); coding-DNA position 4279, C replaced by T.
Protein change: p.Leu1427=; no amino-acid change (leucine 1427 retained).
Molecular consequence: synonymous variant. On other transcripts: non-coding transcript variant (6).
Genome position (GRCh38, 1-based): chr14:95,096,641, G>A on the plus strand (C>T on the coding strand, the complement: DICER1 is on the minus strand). VCF-style: chr14-95096641-G-A. GRCh37 (hg19) VCF-style: chr14-95562978-G-A.
Other names: c.4279C>T, p.Leu1427= (NM_001195573.1, NM_001271282.3, NM_001291628.2 and 13 more transcripts); c.3997C>T, p.Leu1333= (NM_001395686.1); c.3874C>T, p.Leu1292= (NM_001395687.1, NM_001395688.1, NM_001395689.1 and 2 more transcripts); c.3712C>T, p.Leu1238= (NM_001395691.1); c.2596C>T, p.Leu866= (NM_001395697.1).
Identifiers: ClinVar variation 3229405 (VCV003229405.2), dbSNP rs2542512378, ClinGen allele CA487844313.
Genomic context (GRCh38, chr14:95,096,641, plus strand): 5'-GATCATACTCCAGGAAATCATCTTCATAGTCAGCCTCTTCCTTCGGAGCCCTCCACATCA[G>A]GCTCTCCTCCTCCTCATCCTCCTCCTCGTAATCCTCATCCAGTTTGCCATTCGCCAGCAT-3'
Protein context (NP_803187.1, residues 1417-1437): YEEEDEEEES[Leu1427=]MWRAPKEEAD

ClinVar aggregate classification (germline): Benign/Likely benign. Review status: criteria provided, multiple submitters, no conflicts (2 of 4 stars). 2 submissions from 2 submitters: Benign (1); Likely benign (1). Last evaluated 2026-08-18.

Conditions:
DICER1-related tumor predisposition. Also called: DICER1-related pleuropulmonary blastoma cancer predisposition syndrome; DICER1 syndrome. Identifiers: Orphanet 284343, MedGen C3839822, MONDO:0100216.
Hereditary cancer-predisposing syndrome. Also called: Tumor predisposition; Hereditary neoplastic syndrome; Hereditary Cancer Syndrome; Neoplastic Syndromes, Hereditary. Identifiers: Orphanet 140162, MedGen C0027672, MeSH D009386, MONDO:0015356.

Allele frequency attached by ClinVar (database versions not stated): gnomAD exomes below 0.00001.
gnomAD v4.1: 1 of 1,612,346 alleles (0.000062%); highest among the groups gnomAD compares: Non-Finnish European, 0.000085%; no homozygotes.

Submissions (2):

Myriad Genetics, Inc.
Classification: Benign for DICER1-related tumor predisposition. Last evaluated: 2026-08-18. Review status: criteria provided, single submitter. Criteria: Myriad Autosomal Dominant, Autosomal Recessive and X-Linked Classification Criteria (2023). Collection method: clinical testing. Allele origin: unknown.
Comment: This variant is considered benign. This variant is a silent/synonymous amino acid change and it is not expected to impact splicing.

Ambry Genetics
Classification: Likely benign for Hereditary cancer-predisposing syndrome. Last evaluated: 2024-02-01. Review status: criteria provided, single submitter. Criteria: Ambry Variant Classification Scheme 2023. Collection method: clinical testing. Allele origin: germline.